The following is an entry in ClinVar:

ClinVar aggregate classification (germline): Pathogenic (1 of 4 stars; one submission).

Submission:

Labcorp Genetics (formerly Invitae), Labcorp
Classification: Pathogenic. Last evaluated: 2026-01-19. Review status: criteria provided, single submitter. Criteria: Invitae Variant Classification Sherloc (09022015). Collection method: clinical testing. Allele origin: germline.
Comment: This sequence change creates a premature translational stop signal (p.His293Glnfs*20) in the CNGB3 gene. It is expected to result in an absent or disrupted protein product. Loss-of-function variants in CNGB3 are known to be pathogenic (PMID: 28795510). This variant is not present in population databases (gnomAD no frequency). This variant has not been reported in the literature in individuals affected with CNGB3-related conditions. For these reasons, this variant has been classified as Pathogenic.

Literature cited by the submitters: PubMed 28795510.

NM_019098.5(CNGB3):c.875_878dup (p.His293fs)

Gene: CNGB3 (cyclic nucleotide gated channel subunit beta 3; minus strand). Cytogenetic location: 8q21.3.
Variant type: Duplication.
Coding change: c.875_878dup on transcript NM_019098.5 (MANE Select); coding-DNA positions 875 to 878, 4 bases duplicated (AACA; older notation c.875_878dupAACA).
Protein change: p.His293fs; shifts the reading frame from histidine 293.
Molecular consequence: frameshift variant.
Genome position (GRCh38, 1-based): chr8:86,654,037-86,654,040, TGTT duplicated on the plus strand (AACA on the coding strand, the reverse complement: CNGB3 is on the minus strand); duplicating any 4 consecutive bases within chr8:86,654,037-86,654,041 gives the same sequence; the c. name uses the placement nearest the transcript's 3' end. VCF-style (leftmost placement, unchanged base first): chr8-86654036-G-GTGTT. GRCh37 (hg19) VCF-style: chr8-87666264-G-GTGTT.
Other names: short protein forms H293fs.
Identifiers: ClinVar variation 4779734 (VCV004779734.1).